The following is an entry in ClinVar:

NM_000429.3(MAT1A):c.395C>A (p.Ala132Glu)

Gene: MAT1A (methionine adenosyltransferase 1A; minus strand). Cytogenetic location: 10q22.3.
Variant type: single nucleotide variant.
Coding change: c.395C>A on transcript NM_000429.3 (MANE Select); coding-DNA position 395, C replaced by A.
Protein change: p.Ala132Glu; replaces alanine 132 with glutamic acid.
Molecular consequence: missense variant.
Genome position (GRCh38, 1-based): chr10:80,280,690, G>T on the plus strand (C>A on the coding strand, the complement: MAT1A is on the minus strand). VCF-style: chr10-80280690-G-T. GRCh37 (hg19) VCF-style: chr10-82040446-G-T.
Other names: short protein forms A132E.
Identifiers: ClinVar variation 2832661 (VCV002832661.3), dbSNP rs2492497119, ClinGen allele CA377362933.
Genomic context (GRCh38, chr10:80,280,690, plus strand): 5'-ACTTTCCCAGCCAGCTCAACACACAGCTCCCACATGCAGTGCCGAGCTACCTGATCTCCT[G>T]CCCCCACATCCTCCTCATTTCTGTCCAGATGGACGCACTGGGCAATATCTGGGGATTGCT-3'
Protein context (NP_000420.1, residues 122-142): HLDRNEEDVG[Ala132Glu]GDQGLMFGYA

ClinVar aggregate classification (germline): Uncertain significance (1 of 4 stars; one submission).

Conditions:
Hepatic methionine adenosyltransferase deficiency. Also called: MAT I/III DEFICIENCY; Deficiency of methionine adenosyltransferase; Isolated Persistent Hypermethioninemia; Methionine adenosyltransferase deficiency. Identifiers: Orphanet 168598, MedGen C0268621, MeSH C564683, MONDO:0009607, OMIM 250850.

Submission:

Labcorp Genetics (formerly Invitae), Labcorp
Classification: Uncertain significance for Hepatic methionine adenosyltransferase deficiency. Last evaluated: 2026-01-12. Review status: criteria provided, single submitter. Criteria: Invitae Variant Classification Sherloc (09022015). Collection method: clinical testing. Allele origin: germline.
Comment: This sequence change replaces alanine, which is neutral and non-polar, with glutamic acid, which is acidic and polar, at codon 132 of the MAT1A protein (p.Ala132Glu). This variant is not present in population databases (gnomAD no frequency). This variant has not been reported in the literature in individuals affected with MAT1A-related conditions. ClinVar contains an entry for this variant (Variation ID: 2832661). Invitae Evidence Modeling of protein sequence and biophysical properties (such as structural, functional, and spatial information, amino acid conservation, physicochemical variation, residue mobility, and thermodynamic stability) indicates that this missense variant is expected to disrupt MAT1A protein function with a positive predictive value of 80%. In summary, the available evidence is currently insufficient to determine the role of this variant in disease. Therefore, it has been classified as a Variant of Uncertain Significance.